The following is an entry in ClinVar:

ClinVar aggregate classification (germline): Likely benign (1 of 4 stars; one submission).

Allele frequency attached by ClinVar (database versions not stated): TOPMed 0.00006; gnomAD exomes 0.00017; gnomAD 0.00026; 1000 Genomes Project 30x 0.00187.
gnomAD v4.1: 185 of 906,572 alleles (0.02%); highest among the groups gnomAD compares: South Asian, 0.67%; 1 homozygote.

Submission:

CeGaT Center for Human Genetics Tuebingen
Classification: Likely benign. Last evaluated: 2023-03-01. Review status: criteria provided, single submitter. Criteria: CeGaT Center For Human Genetics Tuebingen Variant Classification Criteria Version 2. Collection method: clinical testing. Allele origin: germline. Affected: yes. Observed: 1 variant allele.
Comment: RGS11: BP4, BP7

NM_183337.3(RGS11):c.18G>A (p.Ala6=)

Gene: RGS11 (regulator of G protein signaling 11; minus strand). Cytogenetic location: 16p13.3.
Variant type: single nucleotide variant.
Coding change: c.18G>A on transcript NM_183337.3 (MANE Select); coding-DNA position 18, G replaced by A.
Protein change: p.Ala6=; no amino-acid change (alanine 6 retained).
Molecular consequence: synonymous variant. On other transcripts: 5 prime UTR variant (2).
Genome position (GRCh38, 1-based): chr16:275,894, C>T on the plus strand (G>A on the coding strand, the complement: RGS11 is on the minus strand). VCF-style: chr16-275894-C-T. GRCh37 (hg19) VCF-style: chr16-325894-C-T.
Other names: c.18G>A, p.Ala6= (NM_001286485.2); c.-370G>A (NM_001286486.2); c.-57G>A (NM_003834.3).
Identifiers: ClinVar variation 2645777 (VCV002645777.24), dbSNP rs779845934, ClinGen allele CA7772402.